The following is an entry in ClinVar:

ClinVar aggregate classification (germline): Uncertain significance (1 of 4 stars; one submission).

gnomAD v4.1: 1 of 1,614,222 alleles (0.000062%); no homozygotes.

Submission:

Labcorp Genetics (formerly Invitae), Labcorp
Classification: Uncertain significance. Last evaluated: 2022-10-05. Review status: criteria provided, single submitter. Criteria: Invitae Variant Classification Sherloc (09022015). Collection method: clinical testing. Allele origin: germline.
Comment: This variant is not present in population databases (gnomAD no frequency). This sequence change replaces proline, which is neutral and non-polar, with leucine, which is neutral and non-polar, at codon 390 of the TNFAIP3 protein (p.Pro390Leu). This variant has not been reported in the literature in individuals affected with TNFAIP3-related conditions. In summary, the available evidence is currently insufficient to determine the role of this variant in disease. Therefore, it has been classified as a Variant of Uncertain Significance. Advanced modeling of protein sequence and biophysical properties (such as structural, functional, and spatial information, amino acid conservation, physicochemical variation, residue mobility, and thermodynamic stability) performed at Invitae indicates that this missense variant is not expected to disrupt TNFAIP3 protein function.

NM_001270508.2(TNFAIP3):c.1169C>T (p.Pro390Leu)

Gene: TNFAIP3 (TNF alpha induced protein 3; plus strand). Cytogenetic location: 6q23.3.
Variant type: single nucleotide variant.
Coding change: c.1169C>T on transcript NM_001270508.2 (MANE Select); coding-DNA position 1169, C replaced by T.
Protein change: p.Pro390Leu; replaces proline 390 with leucine.
Molecular consequence: missense variant.
Genome position (GRCh38, 1-based): chr6:137,878,614, C>T. VCF-style: chr6-137878614-C-T. GRCh37 (hg19) VCF-style: chr6-138199751-C-T.
Other names: c.1169C>T, p.Pro390Leu (NM_001270507.2, NM_006290.4); short protein forms P390L.
Identifiers: ClinVar variation 1911787 (VCV001911787.5), dbSNP rs1776328253, ClinGen allele CA365788833.